The following is an entry in ClinVar:

NM_001382391.1(CSPP1):c.1975+5G>A

Gene: CSPP1 (centrosome and spindle pole associated protein 1; plus strand). Cytogenetic location: 8q13.2.
Variant type: single nucleotide variant.
Coding change: c.1975+5G>A on transcript NM_001382391.1 (MANE Select); 5 bases into the intron after coding-DNA position 1975, G replaced by A.
Molecular consequence: intron variant.
Genome position (GRCh38, 1-based): chr8:67,137,608, G>A. VCF-style: chr8-67137608-G-A. GRCh37 (hg19) VCF-style: chr8-68049843-G-A.
Other names: c.1933+5G>A (NM_001363132.2); c.1894+5G>A (NM_001363131.2); c.1852+5G>A (NM_001363133.2); c.2041+5G>A (NM_001364869.1); c.1960+5G>A (NM_024790.7, NM_001438331.1, NM_001438330.1); c.1861+5G>A (NM_001364870.1); c.1429+5G>A (NM_001438332.1); c.1078+5G>A (NM_001291339.2).
Identifiers: ClinVar variation 2065492 (VCV002065492.1), dbSNP rs565479598, ClinGen allele CA4770697.

ClinVar aggregate classification (germline): Uncertain significance (1 of 4 stars; one submission).

Conditions:
Joubert syndrome 21 (JBTS21). Identifiers: MedGen C3810212, MONDO:0014288, OMIM 615636.

Allele frequency attached by ClinVar (database versions not stated): ExAC 0.00001; gnomAD exomes 0.00002; gnomAD 0.00003; 1000 Genomes Project 0.00020; 1000 Genomes Project 30x 0.00047.
gnomAD v4.1: 29 of 1,510,340 alleles (0.0019%); highest among the groups gnomAD compares: East Asian, 0.0071%; no homozygotes.

Submission:

Labcorp Genetics (formerly Invitae), Labcorp
Classification: Uncertain significance for Joubert syndrome 21. Last evaluated: 2022-05-25. Review status: criteria provided, single submitter. Criteria: Invitae Variant Classification Sherloc (09022015). Collection method: clinical testing. Allele origin: germline.
Comment: This sequence change falls in intron 15 of the CSPP1 gene. It does not directly change the encoded amino acid sequence of the CSPP1 protein. It affects a nucleotide within the consensus splice site. This variant is present in population databases (rs565479598, gnomAD 0.009%). This variant has not been reported in the literature in individuals affected with CSPP1-related conditions. Variants that disrupt the consensus splice site are a relatively common cause of aberrant splicing (PMID: 17576681, 9536098). Algorithms developed to predict the effect of sequence changes on RNA splicing suggest that this variant may disrupt the consensus splice site. In summary, the available evidence is currently insufficient to determine the role of this variant in disease. Therefore, it has been classified as a Variant of Uncertain Significance.

Literature cited by the submitters: PubMed 17576681; PubMed 9536098.